The following is an entry in ClinVar:

NM_003000.3(SDHB):c.507G>A (p.Gln169=)

Gene: SDHB (succinate dehydrogenase complex iron sulfur subunit B; minus strand). Cytogenetic location: 1p36.13.
Variant type: single nucleotide variant.
Coding change: c.507G>A on transcript NM_003000.3 (MANE Select); coding-DNA position 507, G replaced by A.
Protein change: p.Gln169=; no amino-acid change (glutamine 169 retained).
Molecular consequence: synonymous variant.
Genome position (GRCh38, 1-based): chr1:17,027,782, C>T on the plus strand (G>A on the coding strand, the complement: SDHB is on the minus strand). VCF-style: chr1-17027782-C-T. GRCh37 (hg19) VCF-style: chr1-17354277-C-T.
Identifiers: ClinVar variation 1109937 (VCV001109937.8), dbSNP rs2101521627, ClinGen allele CA416085864.

ClinVar aggregate classification (germline): Benign/Likely benign. Review status: criteria provided, multiple submitters, no conflicts (2 of 4 stars). 2 submissions from 2 submitters: Benign (1); Likely benign (1). Last evaluated 2025-03-13.

Conditions:
Pheochromocytoma. Also called: MAX-Related Hereditary Paraganglioma-Pheochromocytoma Syndrome. Identifiers: Orphanet 29072, MedGen C0031511, MONDO:0008233, OMIM 171300, HP:0002666.
Gastrointestinal stromal tumor. Also called: Gastrointestinal stroma tumor; Gastrointestinal stromal tumor, somatic. Identifiers: Orphanet 44890, MedGen C0238198, MeSH D046152, MONDO:0011719, OMIM 606764, HP:0100723.
Pheochromocytoma/paraganglioma syndrome 4. Also called: SDHB-Related Hereditary Paraganglioma-Pheochromocytoma Syndrome (Paragangliomas 4); SDHB-Related Hereditary Paraganglioma-Pheochromocytoma Syndrome; CAROTID BODY TUMORS AND MULTIPLE EXTRAADRENAL PHEOCHROMOCYTOMAS; PARAGANGLIOMA, FAMILIAL MALIGNANT; PARAGANGLIOMAS, HEREDITARY EXTRAADRENAL; PHEOCHROMOCYTOMA, FAMILIAL EXTRAADRENAL. Identifiers: Orphanet 29072, MedGen C1861848, MONDO:0007273, OMIM 115310.

Submissions (2):

Myriad Genetics, Inc.
Classification: Benign for Pheochromocytoma/paraganglioma syndrome 4. Last evaluated: 2025-03-13. Review status: criteria provided, single submitter. Criteria: Myriad Autosomal Dominant, Autosomal Recessive and X-Linked Classification Criteria (2023). Collection method: clinical testing. Allele origin: unknown.
Comment: This variant is considered benign. This variant is a silent/synonymous amino acid change and it is not expected to impact splicing.

Labcorp Genetics (formerly Invitae), Labcorp
Classification: Likely benign for Gastrointestinal stromal tumor; Pheochromocytoma/paraganglioma syndrome 4; Pheochromocytoma. Last evaluated: 2019-03-22. Review status: criteria provided, single submitter. Criteria: Invitae Variant Classification Sherloc (09022015). Collection method: clinical testing. Allele origin: germline.